The following is an entry in ClinVar:

ClinVar aggregate classification (germline): Likely benign (1 of 4 stars; one submission).

Allele frequency attached by ClinVar (database versions not stated): gnomAD exomes below 0.00001.
gnomAD v4.1: 3 of 1,611,038 alleles (0.00019%); highest among the groups gnomAD compares: Non-Finnish European, 0.00025%; no homozygotes.

Submission:

CeGaT Center for Human Genetics Tuebingen
Classification: Likely benign. Last evaluated: 2023-04-01. Review status: criteria provided, single submitter. Criteria: CeGaT Center For Human Genetics Tuebingen Variant Classification Criteria Version 2. Collection method: clinical testing. Allele origin: germline. Affected: yes. Observed: 1 variant allele.
Comment: STAG1: PM2:Supporting, BP4, BP7

NM_005862.3(STAG1):c.3462C>T (p.Ile1154=)

Gene: STAG1 (STAG1 cohesin complex component; minus strand). Cytogenetic location: 3q22.3.
Variant type: single nucleotide variant.
Coding change: c.3462C>T on transcript NM_005862.3 (MANE Select); coding-DNA position 3462, C replaced by T.
Protein change: p.Ile1154=; no amino-acid change (isoleucine 1154 retained).
Molecular consequence: synonymous variant.
Genome position (GRCh38, 1-based): chr3:136,341,536, G>A on the plus strand (C>T on the coding strand, the complement: STAG1 is on the minus strand). VCF-style: chr3-136341536-G-A. GRCh37 (hg19) VCF-style: chr3-136060378-G-A.
Identifiers: ClinVar variation 2654169 (VCV002654169.24), dbSNP rs937043439, ClinGen allele CA435843758.